The following is an entry in ClinVar:

NC_000008.10:g.(?_100108530)_(100205295_?)del

Gene: VPS13B (vacuolar protein sorting 13 homolog B; plus strand). Cytogenetic location: 8q22.2.
Variant type: Deletion.
Identifiers: ClinVar variation 1456596 (VCV001456596.3).

ClinVar aggregate classification (germline): Pathogenic (1 of 4 stars; one submission).

Conditions:
Cohen syndrome (COH1). Also called: PEPPER SYNDROME; Cutis verticis gyrata, retinitis pigmentosa, and sensorineural deafness. Identifiers: Orphanet 193, MedGen C0265223, MONDO:0008999, OMIM 216550.

Submission:

Labcorp Genetics (formerly Invitae), Labcorp
Classification: Pathogenic for Cohen syndrome. Last evaluated: 2021-07-13. Review status: criteria provided, single submitter. Criteria: Invitae Variant Classification Sherloc (09022015). Collection method: clinical testing. Allele origin: germline.
Comment: This variant is a gross deletion of the genomic region encompassing exon(s) 4-17 of the VPS13B gene. This deletion is out-of-frame, and is expected to create a premature translational stop signal and result in an absent or disrupted protein product. Loss-of-function variants in VPS13B are known to be pathogenic (PMID: 15141358, 16648375, 20461111). This variant has not been reported in the literature in individuals affected with VPS13B-related conditions. For these reasons, this variant has been classified as Pathogenic.

Literature cited by the submitters: PubMed 15141358; PubMed 16648375; PubMed 20461111.